The following is an entry in ClinVar:

ClinVar aggregate classification (germline): Likely benign (1 of 4 stars; one submission).

Submission:

Mayo Clinic Laboratories, Mayo Clinic
Classification: Likely benign. Last evaluated: 2025-10-24. Review status: criteria provided, single submitter. Criteria: ACMG Guidelines, 2015. Collection method: clinical testing. Allele origin: germline. Observed: 1 variant allele.
Comment: BP4, BP7

NM_017414.4(USP18):c.627G>A (p.Leu209=)

Gene: USP18 (ubiquitin specific peptidase 18; plus strand). Cytogenetic location: 22q11.21.
Variant type: single nucleotide variant.
Coding change: c.627G>A on transcript NM_017414.4 (MANE Select); coding-DNA position 627, G replaced by A.
Protein change: p.Leu209=; no amino-acid change (leucine 209 retained).
Molecular consequence: synonymous variant.
Genome position (GRCh38, 1-based): chr22:18,168,036, G>A. VCF-style: chr22-18168036-G-A. GRCh37 (hg19) VCF-style: chr22-18650803-G-A.
Other names: p.Leu209=.
Identifiers: ClinVar variation 4684446 (VCV004684446.1).